The following is an entry in ClinVar:

NM_018489.3(ASH1L):c.2482A>G (p.Arg828Gly)

Gene: ASH1L (ASH1 like histone lysine methyltransferase; minus strand). Cytogenetic location: 1q22.
Variant type: single nucleotide variant.
Coding change: c.2482A>G on transcript NM_018489.3 (MANE Select); coding-DNA position 2482, A replaced by G.
Protein change: p.Arg828Gly; replaces arginine 828 with glycine.
Molecular consequence: missense variant.
Genome position (GRCh38, 1-based): chr1:155,480,388, T>C on the plus strand (A>G on the coding strand, the complement: ASH1L is on the minus strand). VCF-style: chr1-155480388-T-C. GRCh37 (hg19) VCF-style: chr1-155450179-T-C.
Other names: c.2482A>G, p.Arg828Gly (NM_001366177.2); short protein forms R828G.
Identifiers: ClinVar variation 2632622 (VCV002632622.1), dbSNP rs2527178284, ClinGen allele CA342723582.

ClinVar aggregate classification (germline): Uncertain significance (1 of 4 stars; one submission).

Conditions:
ASH1L-related disorder. Also called: ASH1L-related condition.

Submission:

PreventionGenetics, part of Exact Sciences
Classification: Uncertain significance for ASH1L-related condition. Last evaluated: 2023-06-09. Review status: criteria provided, single submitter. Criteria: ACMG Guidelines, 2015. Collection method: clinical testing. Allele origin: germline.
Comment: The ASH1L c.2482A>G variant is predicted to result in the amino acid substitution p.Arg828Gly. To our knowledge, this variant has not been reported in the literature or in a large population database, indicating this variant is rare. At this time, the clinical significance of this variant is uncertain due to the absence of conclusive functional and genetic evidence.